The following is an entry in ClinVar:

ClinVar aggregate classification (germline): Pathogenic (1 of 4 stars; one submission).

Submission:

GeneDx
Classification: Pathogenic. Last evaluated: 2018-02-21. Review status: criteria provided, single submitter. Criteria: GeneDx Variant Classification (06012015). Collection method: clinical testing. Allele origin: germline. Affected: yes.
Comment: The c.350delT variant in the NHEJ1 gene has not been reported previously as a pathogenic variant nor as a benign variant, to our knowledge. The c.350delT variant causes a frameshift starting with codon Phenylalanine 117, changes this amino acid to a Serine residue, and creates a premature Stop codon at position 9 of the new reading frame, denoted p.F117SfsX9. This variant is predicted to cause loss of normal protein function either through protein truncation or nonsense-mediated mRNA decay. The c.350delT variant is not observed in large population cohorts (Lek et al., 2016; 1000 Genomes Consortium et al., 2015; Exome Variant Server). We interpret c.350delT as a pathogenic variant.

NM_024782.3(NHEJ1):c.350del (p.Phe117fs)

Gene: NHEJ1 (non-homologous end joining factor 1; minus strand). Cytogenetic location: 2q35.
Variant type: Deletion.
Coding change: c.350del on transcript NM_024782.3 (MANE Select); coding-DNA position 350, one base deleted (T; older notation c.350delT).
Protein change: p.Phe117fs; shifts the reading frame from phenylalanine 117.
Molecular consequence: frameshift variant. On other transcripts: non-coding transcript variant (1).
Genome position (GRCh38, 1-based): chr2:219,157,512, A deleted on the plus strand (T on the coding strand, the reverse complement: NHEJ1 is on the minus strand); the first of 2 consecutive A bases (chr2:219,157,512-219,157,513); deleting either gives the same sequence. VCF-style (leftmost placement, unchanged base first): chr2-219157511-GA-G. GRCh37 (hg19) VCF-style: chr2-220022233-GA-G.
Other names: c.350del, p.Phe117fs (NM_001377498.1, NM_001377499.1); c.350delT (NM_024782.2); short protein forms F117fs.
Identifiers: ClinVar variation 424561 (VCV000424561.2), dbSNP rs1064797042, ClinGen allele CA16617474.